The following is an entry in ClinVar:

ClinVar aggregate classification (germline): Uncertain significance (1 of 4 stars; one submission).

Conditions:
Hereditary cancer-predisposing syndrome. Also called: Neoplastic Syndromes, Hereditary; Tumor predisposition; Hereditary neoplastic syndrome; Hereditary Cancer Syndrome. Identifiers: Orphanet 140162, MedGen C0027672, MeSH D009386, MONDO:0015356.

gnomAD v4.1: 1 of 1,614,046 alleles (0.000062%); highest among the groups gnomAD compares: Non-Finnish European, 0.000085%; no homozygotes.

Submission:

Ambry Genetics
Classification: Uncertain significance for Hereditary cancer-predisposing syndrome. Last evaluated: 2026-07-06. Review status: criteria provided, single submitter. Criteria: Ambry Variant Classification Scheme 2023. Collection method: clinical testing. Allele origin: germline.
Comment: The p.I131F variant (also known as c.391A>T), located in coding exon 4 of the NF2 gene, results from an A to T substitution at nucleotide position 391. The isoleucine at codon 131 is replaced by phenylalanine, an amino acid with highly similar properties. This amino acid position is conserved. In addition, the in silico prediction for this alteration is inconclusive. Based on the available evidence, the clinical significance of this variant remains unclear.

NM_000268.4(NF2):c.391A>T (p.Ile131Phe)

Gene: NF2 (NF2, moesin-ezrin-radixin like (MERLIN) tumor suppressor; plus strand). Cytogenetic location: 22q12.2.
Variant type: single nucleotide variant.
Coding change: c.391A>T on transcript NM_000268.4 (MANE Select); coding-DNA position 391, A replaced by T.
Protein change: p.Ile131Phe; replaces isoleucine 131 with phenylalanine.
Molecular consequence: missense variant. On other transcripts: non-coding transcript variant (1), 5 prime UTR variant (1).
Genome position (GRCh38, 1-based): chr22:29,642,229, A>T. VCF-style: chr22-29642229-A-T. GRCh37 (hg19) VCF-style: chr22-30038218-A-T.
Other names: c.391A>T, p.Ile131Phe (NM_181833.3, NM_001407057.1, NM_001407059.1 and 5 more transcripts); c.277A>T, p.Ile93Phe (NM_001407053.1, NM_001407056.1); c.268A>T, p.Ile90Phe (NM_001407054.1, NM_001407058.1, NM_001407062.1 and 1 more transcripts); c.265A>T, p.Ile89Phe (NM_001407055.1, NM_181828.3); c.142A>T, p.Ile48Phe (NM_001407063.1, NM_001407064.1, NM_181830.3 and 1 more transcripts); c.-250A>T (NM_001407065.1); c.160A>T, p.Ile54Phe (NM_001407067.1); short protein forms I131F, I48F, I93F, I54F, I89F, I90F.
Identifiers: ClinVar variation 5025690 (VCV005025690.1).